The following is an entry in ClinVar:

ClinVar aggregate classification (germline): Benign (1 of 4 stars; one submission).

Conditions:
Frank-Ter Haar syndrome. Also called: BORRONE DERMATOCARDIOSKELETAL SYNDROME; TER HAAR SYNDROME; MELNICK-NEEDLES SYNDROME, AUTOSOMAL RECESSIVE; Borrone di Rocco Crovato syndrome. Identifiers: Orphanet 1266, Orphanet 137834, MedGen C1855305, MONDO:0009579, OMIM 249420.

Allele frequency attached by ClinVar (database versions not stated): gnomAD exomes 0.00066; 1000 Genomes Project 0.00859; 1000 Genomes Project 30x 0.00890; gnomAD 0.00897 and 0.00963; TOPMed 0.00996.
gnomAD v4.1: 1,947 of 985,728 alleles (0.2%); highest among the groups gnomAD compares: African/African-American, 3.1%; 28 homozygotes.

Submission:

Illumina Laboratory Services, Illumina
Classification: Benign for Frank-Ter Haar syndrome. Last evaluated: 2018-01-13. Review status: criteria provided, single submitter. Criteria: ICSL Variant Classification Criteria 13 December 2019. Collection method: clinical testing. Allele origin: germline.
Comment: This variant was observed in the ICSL laboratory as part of a predisposition screen in an ostensibly healthy population. It had not been previously curated by ICSL or reported in the Human Gene Mutation Database (HGMD: prior to June 1st, 2018), and was therefore a candidate for classification through an automated scoring system. Utilizing variant allele frequency, disease prevalence and penetrance estimates, and inheritance mode, an automated score was calculated to assess if this variant is too frequent to cause the disease. Based on the score and internal cut-off values, a variant classified as benign is not then subjected to further curation. The score for this variant resulted in a classification of benign for this disease.

NM_001017995.3(SH3PXD2B):c.*3277T>C

Gene: SH3PXD2B (SH3 and PX domains 2B; minus strand). Cytogenetic location: 5q35.1.
Variant type: single nucleotide variant.
Coding change: c.*3277T>C on transcript NM_001017995.3 (MANE Select); 3277 bases downstream of the stop codon, T replaced by C.
Molecular consequence: 3 prime UTR variant. On other transcripts: intron variant (1).
Genome position (GRCh38, 1-based): chr5:172,335,092, A>G on the plus strand (T>C on the coding strand, the complement: SH3PXD2B is on the minus strand). VCF-style: chr5-172335092-A-G. GRCh37 (hg19) VCF-style: chr5-171762096-A-G.
Other names: c.1189-9712T>C (NM_001308175.2).
Identifiers: ClinVar variation 352746 (VCV000352746.5), dbSNP rs116406895, ClinGen allele CA10624128.